The following is an entry in ClinVar:

NM_203447.4(DOCK8):c.1797+153G>A

Gene: DOCK8 (dedicator of cytokinesis 8; plus strand). Cytogenetic location: 9p24.3.
Variant type: single nucleotide variant.
Coding change: c.1797+153G>A on transcript NM_203447.4 (MANE Select); 153 bases into the intron after coding-DNA position 1797, G replaced by A.
Molecular consequence: intron variant.
Genome position (GRCh38, 1-based): chr9:368,288, G>A. VCF-style: chr9-368288-G-A. GRCh37 (hg19) VCF-style: chr9-368288-G-A.
Other names: c.1593+153G>A (NM_001193536.2, NM_001190458.2).
Identifiers: ClinVar variation 676818 (VCV000676818.2), dbSNP rs12115371, ClinGen allele CA4957923.

ClinVar aggregate classification (germline): Benign. Review status: criteria provided, multiple submitters, no conflicts (2 of 4 stars). 2 submissions from 2 submitters: Benign (2). Last evaluated 2018-06-16.

Allele frequency attached by ClinVar (database versions not stated): gnomAD exomes 0.04444 and 0.05560; ExAC 0.08539; gnomAD 0.12595 and 0.13389; 1000 Genomes Project 0.12700; 1000 Genomes Project 30x 0.13679; TOPMed 0.13829.
gnomAD v4.1: 47,470 of 784,104 alleles (6.1%); highest among the groups gnomAD compares: African/African-American, 35%; 4,334 homozygotes.

Submissions (2):

GeneDx
Classification: Benign. Last evaluated: 2018-06-16. Review status: criteria provided, single submitter. Criteria: GeneDx Variant Classification (06012015). Collection method: clinical testing. Allele origin: germline. Affected: yes.
Comment: This variant is considered likely benign or benign based on one or more of the following criteria: it is a conservative change, it occurs at a poorly conserved position in the protein, it is predicted to be benign by multiple in silico algorithms, and/or has population frequency not consistent with disease.

Breakthrough Genomics
Classification: Benign. Review status: criteria provided, single submitter. Criteria: ACMG Guidelines, 2015. Collection method: not provided. Allele origin: germline. Inheritance: Autosomal recessive inheritance. Affected: yes.